The following is an entry in ClinVar:

ClinVar aggregate classification (germline): Uncertain significance. Review status: criteria provided, multiple submitters, no conflicts (2 of 4 stars). 2 submissions from 2 submitters: Uncertain significance (2). Last evaluated 2024-03-06.

Conditions:
Familial adenomatous polyposis 1 (FAP1). Also called: FAMILIAL ADENOMATOUS POLYPOSIS 1, ATTENUATED; POLYPOSIS, ADENOMATOUS INTESTINAL. Identifiers: MedGen C2713442, MONDO:0021056, OMIM 175100. Disease mechanism: loss of function.
Hereditary cancer-predisposing syndrome. Also called: Hereditary Cancer Syndrome; Neoplastic Syndromes, Hereditary; Hereditary neoplastic syndrome; Tumor predisposition. Identifiers: Orphanet 140162, MedGen C0027672, MeSH D009386, MONDO:0015356.

Submissions (2):

Labcorp Genetics (formerly Invitae), Labcorp
Classification: Uncertain significance for Familial adenomatous polyposis 1. Last evaluated: 2024-03-06. Review status: criteria provided, single submitter. Criteria: Invitae Variant Classification Sherloc (09022015). Collection method: clinical testing. Allele origin: germline.
Comment: This sequence change replaces lysine, which is basic and polar, with glutamine, which is neutral and polar, at codon 2297 of the APC protein (p.Lys2297Gln). This variant is not present in population databases (gnomAD no frequency). This variant has not been reported in the literature in individuals affected with APC-related conditions. Advanced modeling of protein sequence and biophysical properties (such as structural, functional, and spatial information, amino acid conservation, physicochemical variation, residue mobility, and thermodynamic stability) performed at Invitae indicates that this missense variant is not expected to disrupt APC protein function with a negative predictive value of 95%. In summary, the available evidence is currently insufficient to determine the role of this variant in disease. Therefore, it has been classified as a Variant of Uncertain Significance.

Ambry Genetics
Classification: Uncertain significance for Hereditary cancer-predisposing syndrome. Last evaluated: 2024-01-17. Review status: criteria provided, single submitter. Criteria: Ambry Variant Classification Scheme 2023. Collection method: clinical testing. Allele origin: germline.
Comment: The p.K2297Q variant (also known as c.6889A>C), located in coding exon 15 of the APC gene, results from an A to C substitution at nucleotide position 6889. The lysine at codon 2297 is replaced by glutamine, an amino acid with similar properties. This amino acid position is conserved. In addition, in silico predictors for this gene do not accurately predict pathogenicity. Based on the available evidence, the clinical significance of this alteration remains unclear.

NM_000038.6(APC):c.6889A>C (p.Lys2297Gln)

Gene: APC (APC regulator of Wnt signaling pathway; plus strand). Cytogenetic location: 5q22.2.
Variant type: single nucleotide variant.
Coding change: c.6889A>C on transcript NM_000038.6 (MANE Select); coding-DNA position 6889, A replaced by C.
Protein change: p.Lys2297Gln; replaces lysine 2297 with glutamine.
Molecular consequence: missense variant. On other transcripts: non-coding transcript variant (2).
Genome position (GRCh38, 1-based): chr5:112,842,483, A>C. VCF-style: chr5-112842483-A-C. GRCh37 (hg19) VCF-style: chr5-112178180-A-C.
Other names: c.6889A>C (NM_000038.5); c.6889A>C, p.Lys2297Gln (NM_001127510.3, NM_001354895.2, NM_001407450.1); c.6835A>C, p.Lys2279Gln (NM_001127511.3); c.6943A>C, p.Lys2315Gln (NM_001354896.2, NM_001407447.1, NM_001407448.1 and 1 more transcripts); c.6919A>C, p.Lys2307Gln (NM_001354897.2); c.6814A>C, p.Lys2272Gln (NM_001354898.2); c.6805A>C, p.Lys2269Gln (NM_001354899.2); c.6766A>C, p.Lys2256Gln (NM_001354900.2); and 12 more; short protein forms K1913Q, K2269Q, K2290Q, K2315Q, K2014Q, K2137Q, K2196Q, K2238Q.
Identifiers: ClinVar variation 2740973 (VCV002740973.4), dbSNP rs2149975546, ClinGen allele CA16036362.